The following is an entry in ClinVar:

ClinVar aggregate classification (germline): Likely pathogenic. Review status: criteria provided, multiple submitters, no conflicts (2 of 4 stars). 3 submissions from 3 submitters: Likely pathogenic (2). 1 of the submissions does not count toward it. Last evaluated 2025-04-17.

Conditions:
Hereditary insensitivity to pain with anhidrosis (CIPA). Also called: HSAN Type IV; INSENSITIVITY TO PAIN, CONGENITAL, WITH ANHIDROSIS; hereditary sensory and autonomic neuropathy type 4; NTRK1 Congenital Insensitivity to Pain with Anhidrosis; FAMILIAL DYSAUTONOMIA, TYPE II; NEUROPATHY, CONGENITAL SENSORY, WITH ANHIDROSIS. Identifiers: Orphanet 642, MedGen C0020074, MONDO:0009746, OMIM 256800.

Submissions (3):

Natera, Inc.
Classification: Likely pathogenic for Hereditary insensitivity to pain with anhidrosis. Last evaluated: 2025-04-17. Review status: criteria provided, single submitter. Criteria: Natera Variant Classification Schema (03/2026). Collection method: clinical testing. Allele origin: germline.
Comment: The c.1711G>C variant in NTRK1 is a missense variant predicted to cause substitution of glycine to arginine at amino acid 571. This variant is rare in the general population with a frequency below the threshold expected for the associated phenotype(s). This variant has been observed in one or more individuals affected with the associated recessive disease, as either homozygous or compound heterozygous with a second variant (PMID: 8696348). Functional studies show that this variant may disrupt protein function (PMID: 10567924, 10330344). A different variant at the same position has been determined to be Pathogenic or Likely Pathogenic. Computational prediction algorithms indicate this variant is likely to affect gene or protein function. Given the available evidence, this variant is classified as Likely Pathogenic.

Fulgent Genetics
Classification: Likely pathogenic for Hereditary insensitivity to pain with anhidrosis. Last evaluated: 2024-06-05. Review status: criteria provided, single submitter. Criteria: ACMG Guidelines, 2015. Collection method: clinical testing. Allele origin: germline.

OMIM
Classification: Pathogenic for INSENSITIVITY TO PAIN, CONGENITAL, WITH ANHIDROSIS. Last evaluated: 2001-12-01. Review status: no assertion criteria provided. Collection method: literature only. Allele origin: germline. Not counted in ClinVar's aggregate classification.

Literature cited by the submitters: PubMed 8696348 (cited by Natera, Inc.); PubMed 10567924 (cited by Natera, Inc.); PubMed 10330344 (cited by Natera, Inc.); PubMed 11748840 (cited by OMIM).

NM_002529.4(NTRK1):c.1729G>C (p.Gly577Arg)

Gene: NTRK1 (neurotrophic receptor tyrosine kinase 1; plus strand). Cytogenetic location: 1q23.1.
Variant type: single nucleotide variant.
Coding change: c.1729G>C on transcript NM_002529.4 (MANE Select); coding-DNA position 1729, G replaced by C.
Protein change: p.Gly577Arg; replaces glycine 577 with arginine.
Molecular consequence: missense variant.
Genome position (GRCh38, 1-based): chr1:156,876,496, G>C. VCF-style: chr1-156876496-G-C. GRCh37 (hg19) VCF-style: chr1-156846288-G-C.
Other names: c.1621G>C, p.Gly541Arg (NM_001007792.1); c.1711G>C, p.Gly571Arg (NM_001012331.2); c.1711G>C (NM_001012331.1); short protein forms G571R, G541R, G577R.
Identifiers: ClinVar variation 12302 (VCV000012302.7), dbSNP rs121964866, ClinGen allele CA256262.